The following is an entry in ClinVar:

NM_001830.4(CLCN4):c.1517_1527dup (p.Cys510fs)

Gene: CLCN4 (chloride voltage-gated channel 4; plus strand). Cytogenetic location: Xp22.2.
Variant type: Duplication.
Coding change: c.1517_1527dup on transcript NM_001830.4 (MANE Select); coding-DNA positions 1517 to 1527, 11 bases duplicated (CCGGTGCAGAC).
Protein change: p.Cys510fs; shifts the reading frame from cysteine 510.
Molecular consequence: frameshift variant.
Genome position (GRCh38, 1-based): chrX:10,212,594-10,212,604, CCGGTGCAGAC duplicated; duplicating any 11 consecutive bases within chrX:10,212,585-10,212,604 gives the same sequence; the c. name uses the placement nearest the transcript's 3' end. VCF-style (leftmost placement, unchanged base first): chrX-10212584-T-TGGTGCAGACCC. GRCh37 (hg19) VCF-style: chrX-10180624-T-TGGTGCAGACCC.
Other names: c.1235_1245dup, p.Cys416fs (NM_001256944.2); short protein forms C416fs, C510fs.
Identifiers: ClinVar variation 3648299 (VCV003648299.2).

ClinVar aggregate classification (germline): Pathogenic (1 of 4 stars; one submission).

Submission:

Labcorp Genetics (formerly Invitae), Labcorp
Classification: Pathogenic. Last evaluated: 2024-04-01. Review status: criteria provided, single submitter. Criteria: Invitae Variant Classification Sherloc (09022015). Collection method: clinical testing. Allele origin: germline.
Comment: This sequence change creates a premature translational stop signal (p.Cys510Profs*26) in the CLCN4 gene. It is expected to result in an absent or disrupted protein product. Loss-of-function variants in CLCN4 are known to be pathogenic (PMID: 27550844). This variant is not present in population databases (gnomAD no frequency). This variant has not been reported in the literature in individuals affected with CLCN4-related conditions. For these reasons, this variant has been classified as Pathogenic.

Literature cited by the submitters: PubMed 27550844.